The following is an entry in ClinVar:

NM_001276270.2(MBD4):c.1395C>G (p.Gly465=)

Gene: MBD4 (methyl-CpG binding domain 4, DNA glycosylase; minus strand). Cytogenetic location: 3q21.3.
Variant type: single nucleotide variant.
Coding change: c.1395C>G on transcript NM_001276270.2 (MANE Select); coding-DNA position 1395, C replaced by G.
Protein change: p.Gly465=; no amino-acid change (glycine 465 retained).
Molecular consequence: synonymous variant.
Genome position (GRCh38, 1-based): chr3:129,433,246, G>C on the plus strand (C>G on the coding strand, the complement: MBD4 is on the minus strand). VCF-style: chr3-129433246-G-C. GRCh37 (hg19) VCF-style: chr3-129152089-G-C.
Other names: c.1413C>G, p.Gly471= (NM_001276271.2, NM_001276272.2, NM_003925.3); c.459C>G, p.Gly153= (NM_001276273.2).
Identifiers: ClinVar variation 4875963 (VCV004875963.1).

ClinVar aggregate classification (germline): Benign (1 of 4 stars; one submission).

Conditions:
Tumor predisposition syndrome 2 (TPDS2). Also called: MBD4-ASSOCIATED NEOPLASIA SYNDROME; MBD4-Related Tumor Predisposition Syndrome; MBD4-associated neoplasia syndrome (MANS). Identifiers: Orphanet 661526, MedGen C5774186, MONDO:0859267, OMIM 619975.

gnomAD v4.1: 11 of 1,613,926 alleles (0.00068%); highest among the groups gnomAD compares: South Asian, 0.012%; no homozygotes.

Submission:

Myriad Genetics, Inc.
Classification: Benign for Tumor predisposition syndrome 2. Last evaluated: 2026-06-11. Review status: criteria provided, single submitter. Criteria: Myriad Autosomal Dominant, Autosomal Recessive and X-Linked Classification Criteria (2023). Collection method: clinical testing. Allele origin: unknown.
Comment: This variant is considered benign. This variant is a silent/synonymous amino acid change and it is not expected to impact splicing.